The following is an entry in ClinVar:

ClinVar aggregate classification (germline): Uncertain significance. Review status: criteria provided, multiple submitters, no conflicts (2 of 4 stars). 3 submissions from 3 submitters: Uncertain significance (3). Last evaluated 2026-07-05.

Conditions:
PKD1-related disorder. Also called: PKD1-related condition.
Polycystic kidney disease, adult type (PKD1). Also called: Polycystic Kidney Disease 1, Autosomal Dominant; Polycystic kidney disease 1; Polycystic kidney disease 1, severe; POLYCYSTIC KIDNEY DISEASE, ADULT, TYPE I; Polycystic Kidney, Autosomal Dominant; POLYCYSTIC KIDNEY DISEASE 1 WITH OR WITHOUT POLYCYSTIC LIVER DISEASE. Identifiers: MedGen C3149841, MONDO:0008263, OMIM 173900.
Inborn genetic diseases. Identifiers: MedGen C0950123, MeSH D030342.

Allele frequency attached by ClinVar (database versions not stated): gnomAD 0.00001; gnomAD exomes 0.00001; TOPMed 0.00002; ExAC 0.00004; 1000 Genomes Project 30x 0.00016; 1000 Genomes Project 0.00020.
gnomAD v4.1: 14 of 1,569,614 alleles (0.00089%); highest among the groups gnomAD compares: South Asian, 0.0081%; no homozygotes.

Submissions (3):

PreventionGenetics, part of Exact Sciences
Classification: Uncertain significance for PKD1-related condition. Last evaluated: 2026-07-05. Review status: criteria provided, single submitter. Criteria: ACMG Guidelines, 2015. Collection method: clinical testing. Allele origin: germline.
Comment: The PKD1 c.6377C>T variant is predicted to result in the amino acid substitution p.Ala2126Val. To our knowledge, this variant has not been reported in the literature. This variant is reported in 0.0082% of alleles in individuals of South Asian descent in gnomAD. At this time, the clinical significance of this variant is uncertain due to the absence of conclusive functional and genetic evidence.

Fulgent Genetics
Classification: Uncertain significance for Polycystic kidney disease, adult type. Last evaluated: 2024-04-09. Review status: criteria provided, single submitter. Criteria: ACMG Guidelines, 2015. Collection method: clinical testing. Allele origin: germline.

Ambry Genetics
Classification: Uncertain significance for Inborn genetic diseases. Last evaluated: 2024-02-12. Review status: criteria provided, single submitter. Criteria: Ambry Variant Classification Scheme 2023. Collection method: clinical testing. Allele origin: germline.

NM_001009944.3(PKD1):c.6377C>T (p.Ala2126Val)

Gene: PKD1 (polycystin 1, transient receptor potential channel interacting; minus strand). Cytogenetic location: 16p13.3.
Variant type: single nucleotide variant.
Coding change: c.6377C>T on transcript NM_001009944.3 (MANE Select); coding-DNA position 6377, C replaced by T.
Protein change: p.Ala2126Val; replaces alanine 2126 with valine.
Molecular consequence: missense variant.
Genome position (GRCh38, 1-based): chr16:2,108,790, G>A on the plus strand (C>T on the coding strand, the complement: PKD1 is on the minus strand). VCF-style: chr16-2108790-G-A. GRCh37 (hg19) VCF-style: chr16-2158791-G-A.
Other names: c.6377C>T, p.Ala2126Val (NM_000296.4); short protein forms A2126V.
Identifiers: ClinVar variation 3213495 (VCV003213495.3), dbSNP rs574142158, ClinGen allele CA7831618.
Genomic context (GRCh38, chr16:2,108,790, plus strand): 5'-CAGGCCAGCACCTGGACGGTCACCGTGGCCTGCGCCACGAAGAAGCTCACCAGGTTGGAG[G>A]CGTTCACCTGCACGCGGTAGTCCCCAGGCCTCAGGTAGGAGTGCTCGGCCCTGGGCTCAT-3'
Protein context (NP_001009944.3, residues 2116-2136): RPGDYRVQVN[Ala2126Val]SNLVSFFVAQ